The following is an entry in ClinVar:

NM_152416.4(NDUFAF6):c.91G>C (p.Ala31Pro)

Genes: NDUFAF6 (NADH:ubiquinone oxidoreductase complex assembly factor 6; plus strand), LOC113788297 (Sharpr-MPRA regulatory region 2014; plus strand). Cytogenetic location: 8q22.1.
Variant type: single nucleotide variant.
Coding change: c.91G>C on transcript NM_152416.4 (MANE Select); coding-DNA position 91, G replaced by C.
Protein change: p.Ala31Pro; replaces alanine 31 with proline.
Molecular consequence: missense variant. On other transcripts: 5 prime UTR variant (12), non-coding transcript variant (6), intron variant (7).
Genome position (GRCh38, 1-based): chr8:95,025,099, G>C. VCF-style: chr8-95025099-G-C. GRCh37 (hg19) VCF-style: chr8-96037327-G-C.
Other names: c.-190G>C (NM_001330582.2, NM_001354521.2); c.-143G>C (NM_001354517.2); c.-362G>C (NM_001354518.2); c.-358G>C (NM_001354519.2); c.-707G>C (NM_001354527.2); c.-678G>C (NM_001354528.2); c.-490G>C (NM_001354529.2); c.-592G>C (NM_001354530.2); and 8 more; short protein forms A31P.
Identifiers: ClinVar variation 2012297 (VCV002012297.4), dbSNP rs2536705851, ClinGen allele CA371742613.
Genomic context (GRCh38, chr8:95,025,099, plus strand): 5'-GGGCCGTTGCGGCTTGGCATCCCCGGCCTGTGCTGCCGCCGGCCGCCTCTGGGTCTGTAC[G>C]CGCGCATGCGGCGGCTGCCCGGGCCGGAGGTGTCTGGGCGGAGCGTGGCTGCGGCCAGCG-3'
Protein context (NP_689629.2, residues 21-41): CCRRPPLGLY[Ala31Pro]RMRRLPGPEV

ClinVar aggregate classification (germline): Uncertain significance (1 of 4 stars; one submission).

Submission:

Labcorp Genetics (formerly Invitae), Labcorp
Classification: Uncertain significance. Last evaluated: 2024-02-05. Review status: criteria provided, single submitter. Criteria: Invitae Variant Classification Sherloc (09022015). Collection method: clinical testing. Allele origin: germline.
Comment: This sequence change replaces alanine, which is neutral and non-polar, with proline, which is neutral and non-polar, at codon 31 of the NDUFAF6 protein (p.Ala31Pro). This variant is not present in population databases (gnomAD no frequency). This variant has not been reported in the literature in individuals affected with NDUFAF6-related conditions. ClinVar contains an entry for this variant (Variation ID: 2012297). An algorithm developed to predict the effect of missense changes on protein structure and function (PolyPhen-2) suggests that this variant is likely to be tolerated. In summary, the available evidence is currently insufficient to determine the role of this variant in disease. Therefore, it has been classified as a Variant of Uncertain Significance.